The following is an entry in ClinVar:

NM_000059.4(BRCA2):c.8585_8588dup (p.Glu2863fs)

Gene: BRCA2 (BRCA2 DNA repair associated; plus strand). Cytogenetic location: 13q13.1.
Variant type: Duplication.
Coding change: c.8585_8588dup on transcript NM_000059.4 (MANE Select); coding-DNA positions 8585 to 8588, 4 bases duplicated (TAGA; older notation c.8585_8588dupTAGA).
Protein change: p.Glu2863fs; shifts the reading frame from glutamic acid 2863.
Molecular consequence: frameshift variant. On other transcripts: non-coding transcript variant (1).
Genome position (GRCh38, 1-based): chr13:32,371,053-32,371,056, TAGA duplicated. VCF-style (leftmost placement, unchanged base first): chr13-32371052-C-CTAGA. GRCh37 (hg19) VCF-style: chr13-32945189-C-CTAGA.
Other names: c.8489_8492dup, p.Glu2831fs (NM_001406719.1); c.8585_8588dup, p.Glu2863fs (NM_001406720.1, NM_001432077.1); c.3653_3656dup, p.Glu1219fs (NM_001406721.1); c.2168_2171dup, p.Glu724fs (NM_001406722.1); c.8585_8588dupTAGA (NM_000059.3); short protein forms E1219fs, E2863fs, E2831fs, E724fs.
Identifiers: ClinVar variation 4824535 (VCV004824535.1).
Genomic context (GRCh38, chr13:32,371,052, plus strand): 5'-CGCAATGAAAGAGAGGAAGAAAAGGAAGCAGCAAAATATGTGGAGGCCCAACAAAAGAGA[C>CTAGA]TAGAAGCCTTATTCACTAAAATTCAGGAGGAATTTGAAGAACATGAAGGTAAAATTAGTT-3'

ClinVar aggregate classification (germline): Pathogenic (1 of 4 stars; one submission).

Conditions:
Hereditary cancer-predisposing syndrome. Also called: Neoplastic Syndromes, Hereditary; Hereditary neoplastic syndrome; Tumor predisposition; Hereditary Cancer Syndrome. Identifiers: Orphanet 140162, MedGen C0027672, MeSH D009386, MONDO:0015356.

Submission:

Ambry Genetics
Classification: Pathogenic for Hereditary cancer-predisposing syndrome. Last evaluated: 2026-02-04. Review status: criteria provided, single submitter. Criteria: Ambry Variant Classification Scheme 2023. Collection method: clinical testing. Allele origin: germline.
Comment: The c.8585_8588dupTAGA pathogenic mutation, located in coding exon 19 of the BRCA2 gene, results from a duplication of TAGA at nucleotide position 8585, causing a translational frameshift with a predicted alternate stop codon (p.E2863Dfs*7). This variant is considered to be rare based on population cohorts in the Genome Aggregation Database (gnomAD). This alteration is expected to result in loss of function by premature protein truncation or nonsense-mediated mRNA decay. As such, this alteration is interpreted as a disease-causing mutation.